The following is an entry in ClinVar:

NM_004928.3(CFAP410):c.524T>C (p.Leu175Pro)

Gene: CFAP410 (cilia and flagella associated protein 410; minus strand). Cytogenetic location: 21q22.3.
Variant type: single nucleotide variant.
Coding change: c.524T>C on transcript NM_004928.3 (MANE Select); coding-DNA position 524, T replaced by C.
Protein change: p.Leu175Pro; replaces leucine 175 with proline.
Molecular consequence: missense variant.
Genome position (GRCh38, 1-based): chr21:44,331,864, A>G on the plus strand (T>C on the coding strand, the complement: CFAP410 is on the minus strand). VCF-style: chr21-44331864-A-G. GRCh37 (hg19) VCF-style: chr21-45751747-A-G.
Other names: c.524T>C, p.Leu175Pro (NM_001271440.2, NM_001271441.2); c.401T>C, p.Leu134Pro (NM_001271442.1); short protein forms L175P, L134P.
Identifiers: ClinVar variation 1385103 (VCV001385103.6), dbSNP rs985237891, ClinGen allele CA321784225.

ClinVar aggregate classification (germline): Uncertain significance (1 of 4 stars; one submission).

Submission:

Labcorp Genetics (formerly Invitae), Labcorp
Classification: Uncertain significance. Last evaluated: 2022-03-10. Review status: criteria provided, single submitter. Criteria: Invitae Variant Classification Sherloc (09022015). Collection method: clinical testing. Allele origin: germline.
Comment: This sequence change replaces leucine, which is neutral and non-polar, with proline, which is neutral and non-polar, at codon 175 of the CFAP410 protein (p.Leu175Pro). This variant is not present in population databases (gnomAD no frequency). This variant has not been reported in the literature in individuals affected with CFAP410-related conditions. Algorithms developed to predict the effect of missense changes on protein structure and function are either unavailable or do not agree on the potential impact of this missense change (SIFT: "Deleterious"; PolyPhen-2: "Probably Damaging"; Align-GVGD: "Class C0"). In summary, the available evidence is currently insufficient to determine the role of this variant in disease. Therefore, it has been classified as a Variant of Uncertain Significance.